The following is an entry in ClinVar:

NM_014254.3(RXYLT1):c.169+9G>A

Gene: RXYLT1 (ribitol xylosyltransferase 1; plus strand). Cytogenetic location: 12q14.2.
Variant type: single nucleotide variant.
Coding change: c.169+9G>A on transcript NM_014254.3 (MANE Select); 9 bases into the intron after coding-DNA position 169, G replaced by A.
Molecular consequence: intron variant. On other transcripts: 5 prime UTR variant (1).
Genome position (GRCh38, 1-based): chr12:63,780,138, G>A. VCF-style: chr12-63780138-G-A. GRCh37 (hg19) VCF-style: chr12-64173918-G-A.
Other names: c.-936G>A (NM_001278237.2).
Identifiers: ClinVar variation 2780331 (VCV002780331.3), dbSNP rs2500473718, ClinGen allele CA2619606269.

ClinVar aggregate classification (germline): Uncertain significance (1 of 4 stars; one submission).

Allele frequency attached by ClinVar (database versions not stated): gnomAD exomes below 0.00001.
gnomAD v4.1: 2 of 1,469,806 alleles (0.00014%); highest among the groups gnomAD compares: Non-Finnish European, 0.000089%; no homozygotes.

Submission:

Labcorp Genetics (formerly Invitae), Labcorp
Classification: Uncertain significance. Last evaluated: 2022-10-09. Review status: criteria provided, single submitter. Criteria: Invitae Variant Classification Sherloc (09022015). Collection method: clinical testing. Allele origin: germline.
Comment: In summary, the available evidence is currently insufficient to determine the role of this variant in disease. Therefore, it has been classified as a Variant of Uncertain Significance. Algorithms developed to predict the effect of sequence changes on RNA splicing suggest that this variant may create or strengthen a splice site. This variant has not been reported in the literature in individuals affected with RXYLT1-related conditions. This variant is not present in population databases (gnomAD no frequency). This sequence change falls in intron 1 of the RXYLT1 gene. It does not directly change the encoded amino acid sequence of the RXYLT1 protein.